The following is an entry in ClinVar:

ClinVar aggregate classification (germline): Uncertain significance (1 of 4 stars; one submission).

Conditions:
Hereditary breast ovarian cancer syndrome. Also called: Breast and ovarian cancer; Hereditary breast and ovarian cancer syndrome; Hereditary breast and ovarian cancer syndrome (HBOC); BRCA1- and BRCA2-Associated Hereditary Breast and Ovarian Cancer; Hereditary breast and ovarian cancer; Hereditary breast and/or ovarian cancer syndrome. Identifiers: Orphanet 145, MedGen C0677776, MeSH D061325, MONDO:0003582. Disease mechanism: loss of function.

Submission:

Labcorp Genetics (formerly Invitae), Labcorp
Classification: Uncertain significance for Hereditary breast ovarian cancer syndrome. Last evaluated: 2019-04-24. Review status: criteria provided, single submitter. Criteria: Invitae Variant Classification Sherloc (09022015). Collection method: clinical testing. Allele origin: germline.
Comment: In summary, the available evidence is currently insufficient to determine the role of this variant in disease. Therefore, it has been classified as a Variant of Uncertain Significance. Algorithms developed to predict the effect of missense changes on protein structure and function (SIFT, PolyPhen-2, Align-GVGD) all suggest that this variant is likely to be tolerated, but these predictions have not been confirmed by published functional studies and their clinical significance is uncertain. This variant has not been reported in the literature in individuals with BRCA2-related conditions. This variant is not present in population databases (ExAC no frequency). This sequence change replaces lysine with isoleucine at codon 2547 of the BRCA2 protein (p.Lys2547Ile). The lysine residue is moderately conserved and there is a moderate physicochemical difference between lysine and isoleucine.

NM_000059.4(BRCA2):c.7640A>T (p.Lys2547Ile)

Gene: BRCA2 (BRCA2 DNA repair associated; plus strand). Cytogenetic location: 13q13.1.
Variant type: single nucleotide variant.
Coding change: c.7640A>T on transcript NM_000059.4 (MANE Select); coding-DNA position 7640, A replaced by T.
Protein change: p.Lys2547Ile; replaces lysine 2547 with isoleucine.
Molecular consequence: missense variant.
Genome position (GRCh38, 1-based): chr13:32,357,764, A>T. VCF-style: chr13-32357764-A-T. GRCh37 (hg19) VCF-style: chr13-32931901-A-T.
Other names: short protein forms K2547I.
Identifiers: ClinVar variation 841736 (VCV000841736.10), dbSNP rs2072708128, ClinGen allele CA387744853.